The following is an entry in ClinVar:

ClinVar aggregate classification (germline): Uncertain significance. Review status: criteria provided, multiple submitters, no conflicts (2 of 4 stars). 3 submissions from 3 submitters: Uncertain significance (3). Last evaluated 2024-11-21.

Conditions:
Inborn genetic diseases. Identifiers: MedGen C0950123, MeSH D030342.
Autosomal recessive severe congenital neutropenia due to G6PC3 deficiency. Also called: NEUTROPENIA, SEVERE CONGENITAL, 4, AUTOSOMAL RECESSIVE; G6PC3 Deficiency. Identifiers: Orphanet 331176, MedGen C2751630, MONDO:0012930, OMIM 612541.

Allele frequency attached by ClinVar (database versions not stated): ExAC 0.00003; gnomAD 0.00009 and 0.00010; gnomAD exomes 0.00003 and 0.00008; TOPMed 0.00008.
gnomAD v4.1: 123 of 1,613,654 alleles (0.0076%); highest among the groups gnomAD compares: Non-Finnish European, 0.0097%; no homozygotes.

Submissions (3):

Ambry Genetics
Classification: Uncertain significance for Inborn genetic diseases. Last evaluated: 2024-11-21. Review status: criteria provided, single submitter. Criteria: Ambry Variant Classification Scheme 2023. Collection method: clinical testing. Allele origin: germline.
Comment: The p.R136Q variant (also known as c.407G>A), located in coding exon 3 of the G6PC3 gene, results from a G to A substitution at nucleotide position 407. The arginine at codon 136 is replaced by glutamine, an amino acid with highly similar properties. This amino acid position is conserved. In addition, this alteration is predicted to be tolerated by in silico analysis. Based on the available evidence, the clinical significance of this variant remains unclear.

Labcorp Genetics (formerly Invitae), Labcorp
Classification: Uncertain significance for Autosomal recessive severe congenital neutropenia due to G6PC3 deficiency. Last evaluated: 2022-04-06. Review status: criteria provided, single submitter. Criteria: Invitae Variant Classification Sherloc (09022015). Collection method: clinical testing. Allele origin: germline.
Comment: This sequence change replaces arginine, which is basic and polar, with glutamine, which is neutral and polar, at codon 136 of the G6PC3 protein (p.Arg136Gln). This variant is present in population databases (rs200050824, gnomAD 0.009%). This variant has not been reported in the literature in individuals affected with G6PC3-related conditions. ClinVar contains an entry for this variant (Variation ID: 323465). Algorithms developed to predict the effect of missense changes on protein structure and function output the following: SIFT: "Tolerated"; PolyPhen-2: "Benign"; Align-GVGD: "Class C0". The glutamine amino acid residue is found in multiple mammalian species, which suggests that this missense change does not adversely affect protein function. Algorithms developed to predict the effect of sequence changes on RNA splicing suggest that this variant may create or strengthen a splice site. In summary, the available evidence is currently insufficient to determine the role of this variant in disease. Therefore, it has been classified as a Variant of Uncertain Significance.

Illumina Laboratory Services, Illumina
Classification: Uncertain significance for Autosomal recessive severe congenital neutropenia due to G6PC3 deficiency. Last evaluated: 2018-01-13. Review status: criteria provided, single submitter. Criteria: ICSL Variant Classification Criteria 13 December 2019. Collection method: clinical testing. Allele origin: germline.

NM_138387.4(G6PC3):c.407G>A (p.Arg136Gln)

Gene: G6PC3 (glucose-6-phosphatase catalytic subunit 3; plus strand). Cytogenetic location: 17q21.31.
Variant type: single nucleotide variant.
Coding change: c.407G>A on transcript NM_138387.4 (MANE Select); coding-DNA position 407, G replaced by A.
Protein change: p.Arg136Gln; replaces arginine 136 with glutamine.
Molecular consequence: missense variant.
Genome position (GRCh38, 1-based): chr17:44,074,761, G>A. VCF-style: chr17-44074761-G-A. GRCh37 (hg19) VCF-style: chr17-42152129-G-A.
Other names: c.407G>A, p.Arg136Gln (NM_001319945.2); c.62G>A, p.Arg21Gln (NM_001384165.1, NM_001384166.1, NM_001384167.1 and 1 more transcripts); short protein forms R136Q, R21Q.
Identifiers: ClinVar variation 323465 (VCV000323465.8), dbSNP rs200050824, ClinGen allele CA8596002.